The following is an entry in ClinVar:

ClinVar aggregate classification (germline): Uncertain significance. Review status: criteria provided, multiple submitters, no conflicts (2 of 4 stars). 2 submissions from 2 submitters: Uncertain significance (2). Last evaluated 2024-01-23.

Allele frequency attached by ClinVar (database versions not stated): gnomAD 0.00001; gnomAD exomes 0.00001.
gnomAD v4.1: 4 of 1,614,072 alleles (0.00025%); highest among the groups gnomAD compares: Non-Finnish European, 0.00034%; no homozygotes.

Submissions (2):

Blueprint Genetics
Classification: Uncertain significance. Last evaluated: 2024-01-23. Review status: criteria provided, single submitter. Criteria: ACMG Guidelines, 2015. Collection method: clinical testing. Allele origin: germline.

GeneDx
Classification: Uncertain significance. Last evaluated: 2021-10-13. Review status: criteria provided, single submitter. Criteria: GeneDx Variant Classification Process June 2021. Collection method: clinical testing. Allele origin: germline. Affected: yes.
Comment: Not observed at significant frequency in large population cohorts (Lek et al., 2016); In silico analysis supports that this missense variant does not alter protein structure/function; Has not been previously published as pathogenic or benign to our knowledge

NM_001904.4(CTNNB1):c.2219G>A (p.Gly740Asp)

Gene: CTNNB1 (catenin beta 1; plus strand). Cytogenetic location: 3p22.1.
Variant type: single nucleotide variant.
Coding change: c.2219G>A on transcript NM_001904.4 (MANE Select); coding-DNA position 2219, G replaced by A.
Protein change: p.Gly740Asp; replaces glycine 740 with aspartic acid.
Molecular consequence: missense variant.
Genome position (GRCh38, 1-based): chr3:41,239,215, G>A. VCF-style: chr3-41239215-G-A. GRCh37 (hg19) VCF-style: chr3-41280706-G-A.
Other names: c.2219G>A, p.Gly740Asp (NM_001098209.2, NM_001098210.2); c.2198G>A, p.Gly733Asp (NM_001330729.2); short protein forms G733D, G740D.
Identifiers: ClinVar variation 1317494 (VCV001317494.3), dbSNP rs1438939521, ClinGen allele CA352237431.